The following is an entry in ClinVar:

ClinVar aggregate classification (germline): Benign. Review status: criteria provided, multiple submitters, no conflicts (2 of 4 stars). 4 submissions from 4 submitters: Benign (3). 1 of the submissions does not count toward it. Last evaluated 2026-02-04.

Conditions:
Pachyonychia congenita 4 (PC4). Also called: KRT6B-Related Pachyonychia Congenita. Identifiers: Orphanet 2309, MedGen C3714949, MONDO:0014325, OMIM 615728.
KRT6B-related disorder. Also called: KRT6B-related condition.

Allele frequency attached by ClinVar (database versions not stated): gnomAD exomes 0.48381 and 0.49063; gnomAD 0.48771 and 0.48449; 1000 Genomes Project 30x 0.51468; ExAC 0.46718; TOPMed 0.49933.

Submissions (5):

Labcorp Genetics (formerly Invitae), Labcorp
Classification: Benign. Last evaluated: 2026-02-04. Review status: criteria provided, single submitter. Criteria: Invitae Variant Classification Sherloc (09022015). Collection method: clinical testing. Allele origin: germline.

Genome-Nilou Lab
Classification: Benign for Pachyonychia congenita 4. Last evaluated: 2021-08-19. Review status: criteria provided, single submitter. Criteria: ACMG Guidelines, 2015. Collection method: clinical testing. Allele origin: germline. Affected: no.

Breakthrough Genomics
Classification: Benign. Review status: criteria provided, single submitter. Criteria: ACMG Guidelines, 2015. Collection method: not provided. Allele origin: germline. Inheritance: Autosomal dominant inheritance. Affected: yes.

PreventionGenetics, part of Exact Sciences
Classification: Benign for KRT6B-related condition. Last evaluated: 2021-03-24. Review status: no assertion criteria provided. Collection method: clinical testing. Allele origin: germline. Not counted in ClinVar's aggregate classification.
Comment: This variant is classified as benign based on ACMG/AMP sequence variant interpretation guidelines (Richards et al. 2015 PMID: 25741868, with internal and published modifications).

Dr. Peter K. Rogan Lab, Western University
No classification provided (evidence only). Condition: Uterine carcinosarcoma. Review status: no classification provided. Collection method: in vitro. Allele origin: not applicable. Functional consequence: retained intron. Not counted in ClinVar's aggregate classification.

NM_005555.4(KRT6B):c.1093A>G (p.Ile365Val)

Gene: KRT6B (keratin 6B; minus strand). Cytogenetic location: 12q13.13.
Variant type: single nucleotide variant.
Coding change: c.1093A>G on transcript NM_005555.4 (MANE Select); coding-DNA position 1093, A replaced by G.
Protein change: p.Ile365Val; replaces isoleucine 365 with valine.
Molecular consequence: missense variant.
Genome position (GRCh38, 1-based): chr12:52,448,952, T>C on the plus strand (A>G on the coding strand, the complement: KRT6B is on the minus strand). VCF-style: chr12-52448952-T-C. GRCh37 (hg19) VCF-style: chr12-52842736-T-C.
Other names: c.1093A>G (NM_005555.3); short protein forms I365V.
Identifiers: ClinVar variation 1300088 (VCV001300088.14), dbSNP rs437014, ClinGen allele CA6580529.